The following is an entry in ClinVar:

ClinVar aggregate classification (germline): Conflicting classifications of pathogenicity. Review status: criteria provided, conflicting classifications (1 of 4 stars). 2 submissions from 2 submitters: Likely pathogenic (1); Uncertain significance (1). Last evaluated 2026-04-21.

Conditions:
Autosomal dominant Robinow syndrome 2. Identifiers: Orphanet 3107, Orphanet 97360, MedGen C4225363, MONDO:0014591, OMIM 616331.
DVL1-related disorder. Also called: DVL1-related condition.

Submissions (2):

PreventionGenetics, part of Exact Sciences
Classification: Uncertain significance for DVL1-related condition. Last evaluated: 2026-04-21. Review status: criteria provided, single submitter. Criteria: ACMG Guidelines, 2015. Collection method: clinical testing. Allele origin: germline.
Comment: The DVL1 c.1500_1507dup8 variant is predicted to result in a frameshift and premature protein termination (p.Pro503Argfs*149). This variant has been reported in a fetus with prenatal and postnatal features consistent with a diagnosis of Robinow syndrome (reported as c.1575_1582dup in Smith et al. 2024. PubMed ID: 38982229). This variant has not been reported in a large population database (gnomAD), indicating this variant is rare. This variant resides in the penultimate exon, where similar frameshift variants have been reported in individuals with Robinow syndrome (see White et al. 2015. PubMed ID: 25817016). Although we suspect that this variant may be pathogenic, at this time, the clinical significance of this variant is uncertain due to the absence of conclusive functional and genetic evidence.

Clinical Genetics Service, Universitary Hospital 12 de Octubre
Classification: Likely pathogenic for Autosomal dominant Robinow syndrome 2. Review status: criteria provided, single submitter. Criteria: ACMG Guidelines, 2015. Collection method: clinical testing. Allele origin: germline. Affected: yes.

NM_001330311.2(DVL1):c.1575_1582dup (p.Pro528fs)

Gene: DVL1 (dishevelled segment polarity protein 1; minus strand). Cytogenetic location: 1p36.33.
Variant type: Duplication.
Coding change: c.1575_1582dup on transcript NM_001330311.2 (MANE Select); coding-DNA positions 1575 to 1582, 8 bases duplicated (GCCCCACC; older notation c.1575_1582dupGCCCCACC).
Protein change: p.Pro528fs; shifts the reading frame from proline 528.
Molecular consequence: frameshift variant.
Genome position (GRCh38, 1-based): chr1:1,338,109-1,338,116, GGTGGGGC duplicated on the plus strand (GCCCCACC on the coding strand, the reverse complement: DVL1 is on the minus strand). VCF-style (leftmost placement, unchanged base first): chr1-1338108-G-GGGTGGGGC. GRCh37 (hg19) VCF-style: chr1-1273488-G-GGGTGGGGC.
Other names: c.1500_1507dup, p.Pro503fs (NM_004421.3); c.1500_1507dup (NM_004421.2); c.1500_1507dup8 (NM_004421.2); short protein forms P503fs, P528fs.
Identifiers: ClinVar variation 4996186 (VCV004996186.2).